The following is an entry in ClinVar:

NM_015662.3(IFT172):c.2882C>G (p.Ala961Gly)

Gene: IFT172 (intraflagellar transport 172; minus strand). Cytogenetic location: 2p23.3.
Variant type: single nucleotide variant.
Coding change: c.2882C>G on transcript NM_015662.3 (MANE Select); coding-DNA position 2882, C replaced by G.
Protein change: p.Ala961Gly; replaces alanine 961 with glycine.
Molecular consequence: missense variant.
Genome position (GRCh38, 1-based): chr2:27,458,219, G>C on the plus strand (C>G on the coding strand, the complement: IFT172 is on the minus strand). VCF-style: chr2-27458219-G-C. GRCh37 (hg19) VCF-style: chr2-27681086-G-C.
Other names: c.2816C>G, p.Ala939Gly (NM_001410739.1); short protein forms A939G, A961G.
Identifiers: ClinVar variation 4979323 (VCV004979323.1).

ClinVar aggregate classification (germline): Uncertain significance (1 of 4 stars; one submission).

Conditions:
IFT172-related disorder. Also called: IFT172-related condition; IFT172-related disorders.

gnomAD v4.1: 2 of 1,613,884 alleles (0.00012%); highest among the groups gnomAD compares: Admixed American, 0.0033%; no homozygotes.

Submission:

PreventionGenetics, part of Exact Sciences
Classification: Uncertain significance for IFT172-related condition. Last evaluated: 2024-12-02. Review status: criteria provided, single submitter. Criteria: ACMG Guidelines, 2015. Collection method: clinical testing. Allele origin: germline.
Comment: The IFT172 c.2882C>G variant is predicted to result in the amino acid substitution p.Ala961Gly. To our knowledge, this variant has not been reported in the literature. This variant is reported in 0.0058% of alleles in individuals of Latino descent in gnomAD. At this time, the clinical significance of this variant is uncertain due to the absence of conclusive functional and genetic evidence.